The following is an entry in ClinVar:

ClinVar aggregate classification (germline): Uncertain significance (1 of 4 stars; one submission).

Conditions:
Autosomal recessive early-onset Parkinson disease 6 (PARK6). Also called: PARKINSON DISEASE 6, EARLY-ONSET; PARKINSON DISEASE 6, MODIFIER OF; PINK1-Related Parkinson Disease; PINK1 Type of Young-Onset Parkinson Disease. Identifiers: Orphanet 2828, MedGen C1853833, MONDO:0011613, OMIM 605909.

Allele frequency attached by ClinVar (database versions not stated): TOPMed below 0.00001; gnomAD 0.00001; gnomAD exomes 0.00002 and 0.00004; ExAC 0.00004.

Submission:

Labcorp Genetics (formerly Invitae), Labcorp
Classification: Uncertain significance for Autosomal recessive early-onset Parkinson disease 6. Last evaluated: 2021-04-16. Review status: criteria provided, single submitter. Criteria: Invitae Variant Classification Sherloc (09022015). Collection method: clinical testing. Allele origin: germline.
Comment: This variant has been observed in individual(s) with Parkinson disease or Alzheimer disease (PMID: 15349860, 29091718). In summary, the available evidence is currently insufficient to determine the role of this variant in disease. Therefore, it has been classified as a Variant of Uncertain Significance. Algorithms developed to predict the effect of missense changes on protein structure and function are either unavailable or do not agree on the potential impact of this missense change (SIFT: "Tolerated"; PolyPhen-2: "Probably Damaging"; Align-GVGD: "Class C0"). This variant is present in population databases (rs764328076, ExAC 0.02%). This sequence change replaces arginine with histidine at codon 464 of the PINK1 protein (p.Arg464His). The arginine residue is highly conserved and there is a small physicochemical difference between arginine and histidine.

Literature cited by the submitters: PubMed 15349860; PubMed 29091718.

NM_032409.3(PINK1):c.1391G>A (p.Arg464His)

Genes: PINK1 (PTEN induced kinase 1; plus strand), PINK1-AS (PINK1 antisense RNA; minus strand). Cytogenetic location: 1p36.12.
Variant type: single nucleotide variant.
Coding change: c.1391G>A on transcript NM_032409.3 (MANE Select); coding-DNA position 1391, G replaced by A.
Protein change: p.Arg464His; replaces arginine 464 with histidine.
Molecular consequence: missense variant. On other transcripts: non-coding transcript variant (1).
Genome position (GRCh38, 1-based): chr1:20,649,134, G>A. VCF-style: chr1-20649134-G-A. GRCh37 (hg19) VCF-style: chr1-20975627-G-A.
Other names: short protein forms R464H.
Identifiers: ClinVar variation 1406864 (VCV001406864.6), dbSNP rs764328076, ClinGen allele CA660814.
Genomic context (GRCh38, chr1:20,649,134, plus strand): 5'-ATGAAATCTTCGGGCTTGTCAATCCCTTCTACGGCCAGGGCAAGGCCCACCTTGAAAGCC[G>A]CAGCTACCAAGAGGCTCAGCTACCTGCACTGCCCGAGTCAGTGCCTCCAGACGTGAGACA-3'
Protein context (NP_115785.1, residues 454-474): YGQGKAHLES[Arg464His]SYQEAQLPAL